The following is an entry in ClinVar:

NM_015272.5(RPGRIP1L):c.256G>A (p.Val86Ile)

Gene: RPGRIP1L (RPGRIP1 like; minus strand). Cytogenetic location: 16q12.2.
Variant type: single nucleotide variant.
Coding change: c.256G>A on transcript NM_015272.5 (MANE Select); coding-DNA position 256, G replaced by A.
Protein change: p.Val86Ile; replaces valine 86 with isoleucine.
Molecular consequence: missense variant.
Genome position (GRCh38, 1-based): chr16:53,692,339, C>T on the plus strand (G>A on the coding strand, the complement: RPGRIP1L is on the minus strand). VCF-style: chr16-53692339-C-T. GRCh37 (hg19) VCF-style: chr16-53726251-C-T.
Other names: c.256G>A, p.Val86Ile (NM_001127897.4, NM_001308334.3, NM_001330538.2); short protein forms V86I.
Identifiers: ClinVar variation 2086867 (VCV002086867.4), dbSNP rs149072900, ClinGen allele CA8058157.
Genomic context (GRCh38, chr16:53,692,339, plus strand): 5'-CATCTCGTCCCAGCCGCTTGGGGCCGCCACCAACCCGCTCATATCTTTTCTTGTCATTAA[C>T]TAGCCGTATTAACTTGGTGGCCATTCTGGGGAAATAATAAAAAGATGAAAAGGAATGTGA-3'
Protein context (NP_056087.2, residues 76-96): KRMATKLIRL[Val86Ile]NDKKRYERVG

ClinVar aggregate classification (germline): Uncertain significance (1 of 4 stars; one submission).

Conditions:
Joubert syndrome. Also called: CEREBELLOPARENCHYMAL DISORDER IV; JOUBERT-BOLTSHAUSER SYNDROME; Familial aplasia of the vermis. Identifiers: Orphanet 475, MedGen C5979921, MONDO:0018772.
Meckel-Gruber syndrome. Also called: DYSENCEPHALIA SPLANCHNOCYSTICA; GRUBER SYNDROME; Dysencephalia splachnocystica. Identifiers: Orphanet 564, MedGen C0265215, MONDO:0018921.

Submission:

Labcorp Genetics (formerly Invitae), Labcorp
Classification: Uncertain significance for Joubert syndrome; Meckel-Gruber syndrome. Last evaluated: 2022-01-17. Review status: criteria provided, single submitter. Criteria: Invitae Variant Classification Sherloc (09022015). Collection method: clinical testing. Allele origin: germline.
Comment: Algorithms developed to predict the effect of missense changes on protein structure and function are either unavailable or do not agree on the potential impact of this missense change (SIFT: "Tolerated"; PolyPhen-2: "Possibly Damaging"; Align-GVGD: "Class C0"). In summary, the available evidence is currently insufficient to determine the role of this variant in disease. Therefore, it has been classified as a Variant of Uncertain Significance. This variant has not been reported in the literature in individuals affected with RPGRIP1L-related conditions. The frequency data for this variant in the population databases is considered unreliable, as metrics indicate poor data quality at this position in the gnomAD database. This sequence change replaces valine, which is neutral and non-polar, with isoleucine, which is neutral and non-polar, at codon 86 of the RPGRIP1L protein (p.Val86Ile).